The following is an entry in ClinVar:

ClinVar aggregate classification (germline): Benign. Review status: criteria provided, multiple submitters, no conflicts (2 of 4 stars). 4 submissions from 4 submitters: Benign (3). 1 of the submissions does not count toward it. Last evaluated 2024-11-28.

Conditions:
ARHGEF18-related disorder. Also called: ARHGEF18-related condition.

Allele frequency attached by ClinVar (database versions not stated): gnomAD exomes 0.15780; ExAC 0.17774; gnomAD 0.21628 and 0.22023; TOPMed 0.21878; 1000 Genomes Project 0.24101; 1000 Genomes Project 30x 0.24672.
gnomAD v4.1: 224,879 of 1,481,314 alleles (15%); highest among the groups gnomAD compares: African/African-American, 41%; 20,001 homozygotes.

Submissions (4):

Blueprint Genetics
Classification: Benign. Last evaluated: 2024-11-28. Review status: criteria provided, single submitter. Criteria: ACMG Guidelines, 2015. Collection method: clinical testing. Allele origin: germline.

Labcorp Genetics (formerly Invitae), Labcorp
Classification: Benign. Last evaluated: 2022-11-01. Review status: criteria provided, single submitter. Criteria: Invitae Variant Classification Sherloc (09022015). Collection method: clinical testing. Allele origin: germline.

Breakthrough Genomics
Classification: Benign. Review status: criteria provided, single submitter. Criteria: ACMG Guidelines, 2015. Collection method: not provided. Allele origin: germline. Inheritance: Autosomal recessive inheritance. Affected: yes.

PreventionGenetics, part of Exact Sciences
Classification: Benign for ARHGEF18-related condition. Last evaluated: 2019-10-30. Review status: no assertion criteria provided. Collection method: clinical testing. Allele origin: germline. Not counted in ClinVar's aggregate classification.
Comment: This variant is classified as benign based on ACMG/AMP sequence variant interpretation guidelines (Richards et al. 2015 PMID: 25741868, with internal and published modifications).

NM_001367823.1(ARHGEF18):c.3480+7G>A

Gene: ARHGEF18 (Rho/Rac guanine nucleotide exchange factor 18; plus strand). Cytogenetic location: 19p13.2.
Variant type: single nucleotide variant.
Coding change: c.3480+7G>A on transcript NM_001367823.1 (MANE Select); 7 bases into the intron after coding-DNA position 3480, G replaced by A.
Molecular consequence: intron variant.
Genome position (GRCh38, 1-based): chr19:7,467,691, G>A. VCF-style: chr19-7467691-G-A. GRCh37 (hg19) VCF-style: chr19-7532577-G-A.
Other names: c.2916+7G>A (NM_001130955.1); c.2442+7G>A (NM_001367824.1, NM_015318.4); c.2754+7G>A (NM_001130955.2).
Identifiers: ClinVar variation 1615081 (VCV001615081.12), dbSNP rs2303144, ClinGen allele CA9137143.